The following is an entry in ClinVar:

NM_004606.5(TAF1):c.152C>T (p.Ala51Val)

Gene: TAF1 (TATA-box binding protein associated factor 1; plus strand). Cytogenetic location: Xq13.1.
Variant type: single nucleotide variant.
Coding change: c.152C>T on transcript NM_004606.5 (MANE Select); coding-DNA position 152, C replaced by T.
Protein change: p.Ala51Val; replaces alanine 51 with valine.
Molecular consequence: missense variant. On other transcripts: non-coding transcript variant (9).
Genome position (GRCh38, 1-based): chrX:71,367,530, C>T. VCF-style: chrX-71367530-C-T. GRCh37 (hg19) VCF-style: chrX-70587380-C-T.
Other names: c.152C>T, p.Ala51Val (NM_001286074.2, NM_138923.4); short protein forms A51V.
Identifiers: ClinVar variation 2880116 (VCV002880116.5), dbSNP rs1327315511, ClinGen allele CA413504336.
Genomic context (GRCh38, chrX:71,367,530, plus strand): 5'-ATCTTCGACTCGTGCTGTCCCTTTTTCAGGAATGTAAGAAGCACTTGGCAGGCTTGGGGG[C>T]TTTGGGGCTGGGCAGCCTGATCACTGAACTCACGGCAAATGAAGAATTGACCGGGACTGA-3'
Protein context (NP_004597.3, residues 41-61): ECKKHLAGLG[Ala51Val]LGLGSLITEL

ClinVar aggregate classification (germline): Uncertain significance. Review status: criteria provided, multiple submitters, no conflicts (2 of 4 stars). 2 submissions from 2 submitters: Uncertain significance (2). Last evaluated 2026-08-27.

Allele frequency attached by ClinVar (database versions not stated): gnomAD exomes below 0.00001.
gnomAD v4.1: 1 of 1,211,559 alleles (0.000083%); highest among the groups gnomAD compares: East Asian, 0.003%; no homozygotes.

Submissions (2):

GeneDx
Classification: Uncertain significance. Last evaluated: 2026-08-27. Review status: criteria provided, single submitter. Criteria: GeneDx Variant Classification Process June 2021. Collection method: clinical testing. Allele origin: germline.
Comment: Not observed at significant frequency in large population cohorts (gnomAD); In silico analysis suggests that this missense variant does not alter protein structure/function; Has not been previously published as pathogenic or benign to our knowledge

Labcorp Genetics (formerly Invitae), Labcorp
Classification: Uncertain significance. Last evaluated: 2023-12-09. Review status: criteria provided, single submitter. Criteria: Invitae Variant Classification Sherloc (09022015). Collection method: clinical testing. Allele origin: germline.
Comment: This sequence change replaces alanine, which is neutral and non-polar, with valine, which is neutral and non-polar, at codon 71 of the TAF1 protein (p.Ala71Val). This variant is present in population databases (no rsID available, gnomAD 0.008%). This variant has not been reported in the literature in individuals affected with TAF1-related conditions. An algorithm developed to predict the effect of missense changes on protein structure and function (PolyPhen-2) suggests that this variant is likely to be tolerated. In summary, the available evidence is currently insufficient to determine the role of this variant in disease. Therefore, it has been classified as a Variant of Uncertain Significance.